The following is an entry in ClinVar:

ClinVar aggregate classification (germline): Uncertain significance. Review status: criteria provided, single submitter (1 of 4 stars). 2 submissions from 2 submitters: Uncertain significance (1). 1 of the submissions does not count toward it. Last evaluated 2023-09-18.

Conditions:
PLXNA2-related disorder. Also called: PLXNA2-related condition.

gnomAD v4.1: 9 of 1,614,242 alleles (0.00056%); highest among the groups gnomAD compares: South Asian, 0.0011%; no homozygotes.

Submissions (2):

Blueprint Genetics
Classification: Uncertain significance. Last evaluated: 2023-09-18. Review status: criteria provided, single submitter. Criteria: ACMG Guidelines, 2015. Collection method: clinical testing. Allele origin: germline.

PreventionGenetics, part of Exact Sciences
Classification: Uncertain significance for PLXNA2-related condition. Last evaluated: 2024-04-18. Review status: no assertion criteria provided. Collection method: clinical testing. Allele origin: germline. Not counted in ClinVar's aggregate classification.
Comment: The PLXNA2 c.2173C>T variant is predicted to result in premature protein termination (p.Arg725*). To our knowledge, this variant has not been reported in the literature. This variant is reported in 0.0099% of alleles in individuals of Ashkenazi Jewish descent in gnomAD. Loss of function variants in PLXNA2, such as this nonsense variant, have not been established as a mechanism of disease. At this time, the clinical significance of this variant is uncertain due to the absence of conclusive functional and genetic evidence.

NM_025179.4(PLXNA2):c.2173C>T (p.Arg725Ter)

Gene: PLXNA2 (plexin A2; minus strand). Cytogenetic location: 1q32.2.
Variant type: single nucleotide variant.
Coding change: c.2173C>T on transcript NM_025179.4 (MANE Select); coding-DNA position 2173, C replaced by T.
Protein change: p.Arg725Ter; replaces arginine 725 with a stop codon.
Molecular consequence: nonsense.
Genome position (GRCh38, 1-based): chr1:208,084,505, G>A on the plus strand (C>T on the coding strand, the complement: PLXNA2 is on the minus strand). VCF-style: chr1-208084505-G-A. GRCh37 (hg19) VCF-style: chr1-208257850-G-A.
Other names: short protein forms R725*.
Identifiers: ClinVar variation 3353848 (VCV003353848.2).